The following is an entry in ClinVar:

ClinVar aggregate classification (germline): Benign. Review status: criteria provided, multiple submitters, no conflicts (2 of 4 stars). 2 submissions from 2 submitters: Benign (2). Last evaluated 2018-01-13.

Conditions:
Pheochromocytoma. Also called: MAX-Related Hereditary Paraganglioma-Pheochromocytoma Syndrome. Identifiers: Orphanet 29072, MedGen C0031511, MONDO:0008233, OMIM 171300, HP:0002666.

Allele frequency attached by ClinVar (database versions not stated): gnomAD 0.00009 and 0.00036; TOPMed 0.00014; gnomAD exomes 0.00032; 1000 Genomes Project 0.00140; 1000 Genomes Project 30x 0.00141.

Submissions (2):

Illumina Laboratory Services, Illumina
Classification: Benign for Pheochromocytoma. Last evaluated: 2018-01-13. Review status: criteria provided, single submitter. Criteria: ICSL Variant Classification Criteria 13 December 2019. Collection method: clinical testing. Allele origin: germline.
Comment: This variant was observed in the ICSL laboratory as part of a predisposition screen in an ostensibly healthy population. It had not been previously curated by ICSL or reported in the Human Gene Mutation Database (HGMD: prior to June 1st, 2018), and was therefore a candidate for classification through an automated scoring system. Utilizing variant allele frequency, disease prevalence and penetrance estimates, and inheritance mode, an automated score was calculated to assess if this variant is too frequent to cause the disease. Based on the score and internal cut-off values, a variant classified as benign is not then subjected to further curation. The score for this variant resulted in a classification of benign for this disease.

Breakthrough Genomics
Classification: Benign. Review status: criteria provided, single submitter. Criteria: ACMG Guidelines, 2015. Collection method: not provided. Allele origin: germline. Inheritance: Autosomal dominant inheritance. Affected: yes.

NM_017849.4(TMEM127):c.*3584G>C

Gene: TMEM127 (transmembrane protein 127; minus strand). Cytogenetic location: 2q11.2.
Variant type: single nucleotide variant.
Coding change: c.*3584G>C on transcript NM_017849.4 (MANE Select); 3584 bases downstream of the stop codon, G replaced by C.
Molecular consequence: 3 prime UTR variant.
Genome position (GRCh38, 1-based): chr2:96,250,224, C>G on the plus strand (G>C on the coding strand, the complement: TMEM127 is on the minus strand). VCF-style: chr2-96250224-C-G. GRCh37 (hg19) VCF-style: chr2-96915962-C-G.
Other names: c.*3584G>C (NM_001193304.3).
Identifiers: ClinVar variation 897611 (VCV000897611.5), dbSNP rs370166706, ClinGen allele CA52409219.